The following is an entry in ClinVar:

ClinVar aggregate classification (germline): Uncertain significance (1 of 4 stars; one submission).

Conditions:
Myopathy, centronuclear, 2 (CNM2). Also called: MYOTUBULAR MYOPATHY, AUTOSOMAL RECESSIVE. Identifiers: Orphanet 169186, MedGen CN031787, MONDO:0009709, OMIM 255200.

Allele frequency attached by ClinVar (database versions not stated): gnomAD exomes 0.00001; ExAC 0.00001; gnomAD 0.00001.
gnomAD v4.1: 9 of 1,613,630 alleles (0.00056%); highest among the groups gnomAD compares: Admixed American, 0.0033%; no homozygotes.

Submission:

Labcorp Genetics (formerly Invitae), Labcorp
Classification: Uncertain significance for Myopathy, centronuclear, 2. Last evaluated: 2020-08-08. Review status: criteria provided, single submitter. Criteria: Invitae Variant Classification Sherloc (09022015). Collection method: clinical testing. Allele origin: germline.
Comment: In summary, the available evidence is currently insufficient to determine the role of this variant in disease. Therefore, it has been classified as a Variant of Uncertain Significance. Algorithms developed to predict the effect of missense changes on protein structure and function (SIFT, PolyPhen-2, Align-GVGD) all suggest that this variant is likely to be tolerated, but these predictions have not been confirmed by published functional studies and their clinical significance is uncertain. This variant has not been reported in the literature in individuals with BIN1-related conditions. This variant is present in population databases (rs777452575, ExAC 0.009%). This sequence change replaces glycine with arginine at codon 513 of the BIN1 protein (p.Gly513Arg). The glycine residue is weakly conserved and there is a moderate physicochemical difference between glycine and arginine.

NM_139343.3(BIN1):c.1537G>A (p.Gly513Arg)

Gene: BIN1 (bridging integrator 1; minus strand). Cytogenetic location: 2q14.3.
Variant type: single nucleotide variant.
Coding change: c.1537G>A on transcript NM_139343.3 (MANE Select); coding-DNA position 1537, G replaced by A.
Protein change: p.Gly513Arg; replaces glycine 513 with arginine.
Molecular consequence: missense variant.
Genome position (GRCh38, 1-based): chr2:127,050,837, C>T on the plus strand (G>A on the coding strand, the complement: BIN1 is on the minus strand). VCF-style: chr2-127050837-C-T. GRCh37 (hg19) VCF-style: chr2-127808413-C-T.
Other names: c.1030G>A, p.Gly344Arg (NM_001320632.2); c.1168G>A, p.Gly390Arg (NM_001320633.2); c.913G>A, p.Gly305Arg (NM_001320634.1); c.1297G>A, p.Gly433Arg (NM_001320640.2); c.1444G>A, p.Gly482Arg (NM_001320641.2); c.1456G>A, p.Gly486Arg (NM_001320642.1); c.1120G>A, p.Gly374Arg (NM_004305.4); c.1408G>A, p.Gly470Arg (NM_139344.3); and 7 more; short protein forms G305R, G329R, G344R, G359R, G374R, G390R, G395R, G402R.
Identifiers: ClinVar variation 1016010 (VCV001016010.8), dbSNP rs777452575, ClinGen allele CA1857010.